The following is an entry in ClinVar:

ClinVar aggregate classification (germline): Benign (1 of 4 stars; one submission).

Allele frequency attached by ClinVar (database versions not stated): 1000 Genomes Project 30x 0.36056; 1000 Genomes Project 0.36282; TOPMed 0.37843; gnomAD 0.38032; gnomAD exomes 0.40421.
gnomAD v4.1: 376,719 of 940,434 alleles (40%); highest among the groups gnomAD compares: Middle Eastern, 44%; 76,964 homozygotes.

Submission:

Unidad de Genómica Garrahan, Hospital de Pediatría Garrahan
Classification: Benign. Last evaluated: 2024-01-24. Review status: criteria provided, single submitter. Criteria: ACMG Guidelines, 2015. Collection method: clinical testing. Allele origin: germline. Affected: no. Observed: 28 variant alleles.
Comment: This variant is classified as Benign based on local population frequency. This variant was detected in 29% of patients studied by a panel of primary immunodeficiencies. Number of patients: 28. Only high quality variants are reported.

NM_000629.3(IFNAR1):c.200+108A>G

Gene: IFNAR1 (interferon alpha and beta receptor subunit 1; plus strand). Cytogenetic location: 21q22.11.
Variant type: single nucleotide variant.
Coding change: c.200+108A>G on transcript NM_000629.3 (MANE Select); 108 bases into the intron after coding-DNA position 200, A replaced by G.
Molecular consequence: intron variant.
Genome position (GRCh38, 1-based): chr21:33,335,755, A>G. VCF-style: chr21-33335755-A-G. GRCh37 (hg19) VCF-style: chr21-34708061-A-G.
Other names: c.-8+108A>G (NM_001384504.1); c.-587+108A>G (NM_001384500.1); c.200+108A>G (NM_001384498.1, NM_001384503.1, NM_001384499.1 and 1 more transcripts); c.-184+108A>G (NM_001384502.1).
Identifiers: ClinVar variation 2688255 (VCV002688255.2), dbSNP rs2243594, ClinGen allele CA14891791.
Genomic context (GRCh38, chr21:33,335,755, plus strand): 5'-TACAAGTTTAACAACACCATAATTTTTAGATTTGGAAAGTGTTTGGTTTTTCTATTTTTT[A>G]GAAATGTTACGCCTATTTTACATAATATTTTTAACTTTGTTTCTGTAGAGACTTAGTCAA-3'